The following is an entry in ClinVar:

NM_001393769.1(MED12L):c.2323G>A (p.Ala775Thr)

Genes: MED12L (mediator complex subunit 12L; plus strand), P2RY12 (purinergic receptor P2Y12; minus strand). Cytogenetic location: 3q25.1.
Variant type: single nucleotide variant.
Coding change: c.2323G>A on transcript NM_001393769.1 (MANE Select); coding-DNA position 2323, G replaced by A.
Protein change: p.Ala775Thr; replaces alanine 775 with threonine.
Molecular consequence: missense variant. On other transcripts: intron variant (1).
Genome position (GRCh38, 1-based): chr3:151,350,131, G>A. VCF-style: chr3-151350131-G-A. GRCh37 (hg19) VCF-style: chr3-151067919-G-A.
Other names: c.2218G>A, p.Ala740Thr (NM_053002.6); c.-179-9371C>T (NM_022788.5); short protein forms A740T, A775T.
Identifiers: ClinVar variation 2505949 (VCV002505949.1), dbSNP rs2473467515, ClinGen allele CA354988185.

ClinVar aggregate classification (germline): Uncertain significance (1 of 4 stars; one submission).

Submission:

GeneDx
Classification: Uncertain significance. Last evaluated: 2022-12-13. Review status: criteria provided, single submitter. Criteria: GeneDx Variant Classification Process June 2021. Collection method: clinical testing. Allele origin: germline. Affected: yes.
Comment: Not observed at significant frequency in large population cohorts (gnomAD); In silico analysis supports that this missense variant has a deleterious effect on protein structure/function; Has not been previously published as pathogenic or benign to our knowledge